The following is an entry in ClinVar:

NM_002890.3(RASA1):c.1099A>G (p.Thr367Ala)

Genes: CCNH (cyclin H; minus strand), RASA1 (RAS p21 protein activator 1; plus strand). Cytogenetic location: 5q14.3.
Variant type: single nucleotide variant.
Coding change: c.1099A>G on transcript NM_002890.3 (MANE Select); coding-DNA position 1099, A replaced by G.
Protein change: p.Thr367Ala; replaces threonine 367 with alanine.
Molecular consequence: missense variant. On other transcripts: intron variant (1).
Genome position (GRCh38, 1-based): chr5:87,346,721, A>G. VCF-style: chr5-87346721-A-G. GRCh37 (hg19) VCF-style: chr5-86642538-A-G.
Other names: c.568A>G, p.Thr190Ala (NM_022650.3); c.934-33926T>C (NM_001364075.2); short protein forms T190A, T367A.
Identifiers: ClinVar variation 2049631 (VCV002049631.4), dbSNP rs2531247080, ClinGen allele CA360363171.

ClinVar aggregate classification (germline): Uncertain significance (1 of 4 stars; one submission).

Conditions:
Capillary malformation-arteriovenous malformation syndrome. Also called: Capillary malformation-arteriovenous malformation. Identifiers: Orphanet 137667, MedGen C1842180, MONDO:0012016.

Submission:

Labcorp Genetics (formerly Invitae), Labcorp
Classification: Uncertain significance for Capillary malformation-arteriovenous malformation syndrome. Last evaluated: 2021-12-20. Review status: criteria provided, single submitter. Criteria: Invitae Variant Classification Sherloc (09022015). Collection method: clinical testing. Allele origin: germline.
Comment: This variant is not present in population databases (gnomAD no frequency). This variant has not been reported in the literature in individuals affected with RASA1-related conditions. Algorithms developed to predict the effect of missense changes on protein structure and function (SIFT, PolyPhen-2, Align-GVGD) all suggest that this variant is likely to be tolerated. In summary, the available evidence is currently insufficient to determine the role of this variant in disease. Therefore, it has been classified as a Variant of Uncertain Significance. This sequence change replaces threonine, which is neutral and polar, with alanine, which is neutral and non-polar, at codon 367 of the RASA1 protein (p.Thr367Ala).